The following is an entry in ClinVar:

ClinVar aggregate classification (germline): Pathogenic (1 of 4 stars; one submission).

Conditions:
Fanconi anemia complementation group F. Also called: FANCF-Related Fanconi Anemia. Identifiers: Orphanet 84, MedGen C3469526, MONDO:0011325, OMIM 603467.

Submission:

Clinical Genetics Laboratory, University Hospital Schleswig-Holstein
Classification: Pathogenic for Fanconi anemia complementation group F. Last evaluated: 2025-11-19. Review status: criteria provided, single submitter. Criteria: ACMG Guidelines, 2015. Collection method: clinical testing. Allele origin: germline. Affected: yes.
Comment: ACMG criteria applied: PM2, PVS1, PP4

NM_022725.4(FANCF):c.409del (p.Ala137fs)

Gene: FANCF (FA complementation group F; minus strand). Cytogenetic location: 11p14.3.
Variant type: Deletion.
Coding change: c.409del on transcript NM_022725.4 (MANE Select); coding-DNA position 409, one base deleted (G; older notation c.409delG).
Protein change: p.Ala137fs; shifts the reading frame from alanine 137.
Molecular consequence: frameshift variant.
Genome position (GRCh38, 1-based): chr11:22,625,402, C deleted on the plus strand (G on the coding strand, the reverse complement: FANCF is on the minus strand). VCF-style (leftmost placement, unchanged base first): chr11-22625401-GC-G. GRCh37 (hg19) VCF-style: chr11-22646947-GC-G.
Other names: short protein forms A137fs.
Identifiers: ClinVar variation 4891289 (VCV004891289.1).
Genomic context (GRCh38, chr11:22,625,401, plus strand): 5'-AGATTTGGGTTCTCTCTATAGCCATTGAAGCGCAGCATGTGCACCGCAGACCGCCGGCGG[GC>G]AAGGCGGGCCAGGCTCTCTTGGAGTGTCTCCTCATCGGCGTCCCGGACGCCCGGGCCGGG-3'